The following is an entry in ClinVar:

ClinVar aggregate classification (germline): Uncertain significance (1 of 4 stars; one submission).

Submission:

Labcorp Genetics (formerly Invitae), Labcorp
Classification: Uncertain significance. Last evaluated: 2022-09-09. Review status: criteria provided, single submitter. Criteria: Invitae Variant Classification Sherloc (09022015). Collection method: clinical testing. Allele origin: germline.
Comment: In summary, the available evidence is currently insufficient to determine the role of this variant in disease. Therefore, it has been classified as a Variant of Uncertain Significance. Experimental studies and prediction algorithms are not available or were not evaluated, and the functional significance of this variant is currently unknown. This variant has not been reported in the literature in individuals affected with GDF5-related conditions. This variant is not present in population databases (gnomAD no frequency). This sequence change affects the initiator methionine of the GDF5 mRNA. The next in-frame methionine is located at codon 173.

NM_000557.5(GDF5):c.1A>T (p.Met1Leu)

Gene: GDF5 (growth differentiation factor 5; minus strand). Cytogenetic location: 20q11.22.
Variant type: single nucleotide variant.
Coding change: c.1A>T on transcript NM_000557.5 (MANE Select); coding-DNA position 1, A replaced by T.
Protein change: p.Met1Leu; changes the start codon (methionine 1).
Molecular consequence: missense variant, initiator codon variant.
Genome position (GRCh38, 1-based): chr20:35,437,928, T>A on the plus strand (A>T on the coding strand, the complement: GDF5 is on the minus strand). VCF-style: chr20-35437928-T-A. GRCh37 (hg19) VCF-style: chr20-34025708-T-A.
Other names: c.1A>T, p.Met1Leu (NM_001319138.2); short protein forms M1L.
Identifiers: ClinVar variation 2029749 (VCV002029749.5), dbSNP rs2515427610, ClinGen allele CA408745812.